The following is an entry in ClinVar:

ClinVar aggregate classification (germline): Benign/Likely benign. Review status: criteria provided, multiple submitters, no conflicts (2 of 4 stars). 3 submissions from 3 submitters: Benign (1); Likely benign (2). Last evaluated 2024-09-17.

Conditions:
Hereditary cancer-predisposing syndrome. Also called: Hereditary Cancer Syndrome; Neoplastic Syndromes, Hereditary; Tumor predisposition; Hereditary neoplastic syndrome. Identifiers: Orphanet 140162, MedGen C0027672, MeSH D009386, MONDO:0015356.
Hereditary diffuse gastric adenocarcinoma (HDGC). Also called: DIFFUSE GASTRIC AND LOBULAR BREAST CANCER SYNDROME. Identifiers: Orphanet 26106, MedGen C1708349, MONDO:0007648, OMIM 137215.

Allele frequency attached by ClinVar (database versions not stated): gnomAD exomes below 0.00001.
gnomAD v4.1: 2 of 1,614,048 alleles (0.00012%); highest among the groups gnomAD compares: Non-Finnish European, 0.00017%; no homozygotes.

Submissions (3):

Myriad Genetics, Inc.
Classification: Benign for Hereditary diffuse gastric adenocarcinoma. Last evaluated: 2024-09-17. Review status: criteria provided, single submitter. Criteria: Myriad Autosomal Dominant, Autosomal Recessive and X-Linked Classification Criteria (2023). Collection method: clinical testing. Allele origin: unknown.
Comment: This variant is considered benign. This variant is a silent/synonymous amino acid change and it is not expected to impact splicing.

Labcorp Genetics (formerly Invitae), Labcorp
Classification: Likely benign for Hereditary diffuse gastric adenocarcinoma. Last evaluated: 2024-02-09. Review status: criteria provided, single submitter. Criteria: Invitae Variant Classification Sherloc (09022015). Collection method: clinical testing. Allele origin: germline.

Ambry Genetics
Classification: Likely benign for Hereditary cancer-predisposing syndrome. Last evaluated: 2015-03-27. Review status: criteria provided, single submitter. Criteria: Ambry Variant Classification Scheme 2023. Collection method: clinical testing. Allele origin: germline.

NM_004360.5(CDH1):c.1056T>A (p.Gly352=)

Gene: CDH1 (cadherin 1; plus strand). Cytogenetic location: 16q22.1.
Variant type: single nucleotide variant.
Coding change: c.1056T>A on transcript NM_004360.5 (MANE Select); coding-DNA position 1056, T replaced by A.
Protein change: p.Gly352=; no amino-acid change (glycine 352 retained).
Molecular consequence: synonymous variant. On other transcripts: 5 prime UTR variant (2).
Genome position (GRCh38, 1-based): chr16:68,812,182, T>A. VCF-style: chr16-68812182-T-A. GRCh37 (hg19) VCF-style: chr16-68846085-T-A.
Other names: c.1056T>A (LRG_301t1); c.1056T>A, p.Gly352= (NM_001317184.2); c.-560T>A (NM_001317185.2); c.-764T>A (NM_001317186.2).
Identifiers: ClinVar variation 231044 (VCV000231044.16), dbSNP rs876658922, ClinGen allele CA10580101.